The following is an entry in ClinVar:

ClinVar aggregate classification (germline): Benign. Review status: criteria provided, multiple submitters, no conflicts (2 of 4 stars). 2 submissions from 2 submitters: Benign (2). Last evaluated 2026-04-08.

Conditions:
Combined immunodeficiency due to DOCK8 deficiency (HIES2). Also called: HIES autosomal recessive; HYPER-IgE RECURRENT INFECTION SYNDROME 2, AUTOSOMAL RECESSIVE; Hyper-IgE recurrent infection syndrome, autosomal recessive; DOCK8 Deficiency; HYPER-IgE SYNDROME 2, AUTOSOMAL RECESSIVE, WITH RECURRENT INFECTIONS. Identifiers: Orphanet 217390, MedGen C4722305, MONDO:0009478, OMIM 243700.

Submissions (2):

Women's Health and Genetics/Laboratory Corporation of America, LabCorp
Classification: Benign. Last evaluated: 2026-04-08. Review status: criteria provided, single submitter. Criteria: LabCorp Variant Classification Summary - May 2015. Collection method: clinical testing. Allele origin: germline.
Comment: Variant summary: DOCK8 c.3234+15dupC alters a nucleotide located at a position not widely known to affect splicing. Consensus agreement among computation tools predict no significant impact on normal splicing. However, these predictions have yet to be confirmed by functional studies. The variant allele was found at a frequency of 0.0027 in 233252 control chromosomes in the gnomAD database, including 1 homozygote. The observed variant frequency exceeds the estimated maximal expected allele frequency for disease-causing variants in DOCK8. To our knowledge, no occurrence of c.3234+15dupC in individuals affected with DOCK8-related conditions and no experimental evidence demonstrating its impact on protein function have been reported. ClinVar contains an entry for this variant (Variation ID: 366970). Based on the evidence outlined above, the variant was classified as benign.

Labcorp Genetics (formerly Invitae), Labcorp
Classification: Benign for Combined immunodeficiency due to DOCK8 deficiency. Last evaluated: 2025-09-21. Review status: criteria provided, single submitter. Criteria: Invitae Variant Classification Sherloc (09022015). Collection method: clinical testing. Allele origin: germline.

NM_203447.4(DOCK8):c.3234+15dup

Gene: DOCK8 (dedicator of cytokinesis 8; plus strand). Cytogenetic location: 9p24.3.
Variant type: Duplication.
Coding change: c.3234+15dup on transcript NM_203447.4 (MANE Select); 15 bases into the intron after coding-DNA position 3234, one base duplicated (C; older notation c.3234+15dupC).
Molecular consequence: intron variant.
Genome position (GRCh38, 1-based): chr9:399,274, C duplicated; the last of 7 consecutive C bases (chr9:399,268-399,274); duplicating any one gives the same sequence. VCF-style (leftmost placement, unchanged base first): chr9-399267-T-TC. GRCh37 (hg19) VCF-style: chr9-399267-T-TC.
Other names: c.3234+15dupC (NM_203447.4); c.3030+15dup (NM_001193536.2); c.2934+15dup (NM_001190458.2).
Identifiers: ClinVar variation 366970 (VCV000366970.14), dbSNP rs375864618, ClinGen allele CA4958570.
Genomic context (GRCh38, chr9:399,267, plus strand): 5'-CCCTCATGGATCGGGGCTTTGTGTTTAACCTCATCAGACATTATTGCAGCCAGGTGAGTG[T>TC]CCCCCCCACCCCCACCCCCGAGCGAGCCACTTGGTTCCTTCTCATATAATGTGATGTTCG-3'